The following is an entry in ClinVar:

ClinVar aggregate classification (germline): Likely pathogenic (1 of 4 stars; one submission).

Conditions:
Fanconi anemia (FA). Also called: Fanconi's anemia. Identifiers: Orphanet 84, MedGen C0015625, MeSH D005199, MONDO:0019391.

Submission:

Labcorp Genetics (formerly Invitae), Labcorp
Classification: Likely pathogenic for Fanconi anemia. Last evaluated: 2025-09-05. Review status: criteria provided, single submitter. Criteria: Invitae Variant Classification Sherloc (09022015). Collection method: clinical testing. Allele origin: germline.
Comment: This sequence change affects a donor splice site in intron 34 of the FANCD2 gene. It is expected to disrupt RNA splicing. Variants that disrupt the donor or acceptor splice site typically lead to a loss of protein function (PMID: 16199547), and loss-of-function variants in FANCD2 are known to be pathogenic (PMID: 17436244). This variant is not present in population databases (gnomAD no frequency). This variant has not been reported in the literature in individuals affected with FANCD2-related conditions. In summary, the currently available evidence indicates that the variant is pathogenic, but additional data are needed to prove that conclusively. Therefore, this variant has been classified as Likely Pathogenic.

Literature cited by the submitters: PubMed 16199547; PubMed 17436244.

NM_001018115.3(FANCD2):c.3466+1G>C

Genes: FANCD2 (FA complementation group D2; plus strand), FANCD2OS (FANCD2 opposite strand; minus strand). Cytogenetic location: 3p25.3.
Variant type: single nucleotide variant.
Coding change: c.3466+1G>C on transcript NM_001018115.3 (MANE Select); the canonical splice donor site of the intron after coding-DNA position 3466, G replaced by C.
Molecular consequence: splice donor variant. On other transcripts: intron variant (1).
Genome position (GRCh38, 1-based): chr3:10,087,265, G>C. VCF-style: chr3-10087265-G-C. GRCh37 (hg19) VCF-style: chr3-10128949-G-C.
Other names: c.3466+1G>C (NM_001319984.2, NM_033084.6, NM_001374254.1); c.3355+1G>C (NM_001374253.1); c.*44-5734C>G (NM_173472.2).
Identifiers: ClinVar variation 4754712 (VCV004754712.1).